The following is an entry in ClinVar:

ClinVar aggregate classification (germline): Conflicting classifications of pathogenicity. Review status: criteria provided, conflicting classifications (1 of 4 stars). 5 submissions from 5 submitters: Pathogenic (1); Likely pathogenic (2); Uncertain significance (1). 1 of the submissions does not count toward it. Last evaluated 2026-07-30.

Conditions:
FLCN-related disorder. Also called: FLCN-related condition.
Birt-Hogg-Dube syndrome. Also called: Birt Hogg Dubé syndrome. Identifiers: Orphanet 122, MedGen C0346010, MONDO:0800444.
Birt-Hogg-Dube syndrome 1 (BHD1). Also called: FIBROFOLLICULOMAS WITH TRICHODISCOMAS AND ACROCHORDONS. Identifiers: Orphanet 122, MedGen CN375946, MONDO:0800445, OMIM 135150.
Hereditary cancer-predisposing syndrome. Also called: Neoplastic Syndromes, Hereditary; Hereditary neoplastic syndrome; Hereditary Cancer Syndrome; Tumor predisposition. Identifiers: Orphanet 140162, MedGen C0027672, MeSH D009386, MONDO:0015356.

Submissions (5):

PreventionGenetics, part of Exact Sciences
Classification: Likely pathogenic for FLCN-related condition. Last evaluated: 2026-07-30. Review status: criteria provided, single submitter. Criteria: ACMG Guidelines, 2015. Collection method: clinical testing. Allele origin: germline.
Comment: The FLCN c.770_772delCCT variant is predicted to result in an in-frame deletion (p.Ser257del). This variant is also referred to as c.769_771delTCC in the literature and has been reported in multiple individuals with clinical features of Birt-Hogg-Dubé syndrome (Kunogi et al. 2010. PubMed ID: 20413710; Furuya et al. 2016. PubMed ID: 27220747; Li et al. 2017. PubMed ID: 28069055; Table S1, Namba et al. 2023. PubMed ID: 37490463). This variant has not been reported in a large population database, indicating it is rare. This variant has conflicting classifications listed in ClinVar ranging from uncertain to pathogenic (ClinVar ID: 1760219). This variant is interpreted as likely pathogenic.

Myriad Genetics, Inc.
Classification: Likely pathogenic for Birt-Hogg-Dube syndrome 1. Last evaluated: 2025-05-19. Review status: criteria provided, single submitter. Criteria: Myriad Autosomal Dominant, Autosomal Recessive and X-Linked Classification Criteria (2023). Collection method: clinical testing. Allele origin: unknown.
Comment: This variant is considered likely pathogenic. This variant has been reported in multiple individuals with clinical features of gene-specific disease [PMID: 28069055, 37490463, 24393238, 20413710, 29157599]. This variant is expected to disrupt protein structure [Myriad internal data].

Ambry Genetics
Classification: Pathogenic for Hereditary cancer-predisposing syndrome. Last evaluated: 2025-01-22. Review status: criteria provided, single submitter. Criteria: Ambry Variant Classification Scheme 2023. Collection method: clinical testing. Allele origin: germline.
Comment: The c.770_772delCCT pathogenic mutation (also known as p.S257del) is located in coding exon 4 of the FLCN gene. This variant results from an in-frame CCT deletion at nucleotide positions 770 to 772. This results in the in-frame deletion of a serine at codon 257. This amino acid position is highly conserved in available vertebrate species. This variant has also been reported as c.769_771delTCC (left-shifted) in the literature. This variant has been reported in multiple individuals with features consistent with Birt-Hogg-Dube syndrome (Kunogi M et al. J Med Genet, 2010 Apr;47:281-7; Guo T et al. Ann Transl Med, 2020 Nov;8:1436; Furuya M et al. Clin Genet, 2016 Nov;90:403-412; Kumasaka T et al. Histopathology, 2014 Jul;65:100-10; Hoshika Y et al. Physiol Rep, 2016 11;4; Li T et al. Chin J Cancer, 2017 Jan;36:4; Namba Y et al. PLoS One. 2023 Jul;18(7):e0289175). In addition, this alteration is predicted to be deleterious by in silico analysis (Choi Y et al. PLoS ONE. 2012; 7(10):e46688). Based on the supporting evidence, this variant is interpreted as a disease-causing mutation.

Labcorp Genetics (formerly Invitae), Labcorp
Classification: Uncertain significance for Birt-Hogg-Dube syndrome. Last evaluated: 2025-01-19. Review status: criteria provided, single submitter. Criteria: Invitae Variant Classification Sherloc (09022015). Collection method: clinical testing. Allele origin: germline.
Comment: This variant, c.770_772del, results in the deletion of 1 amino acid(s) of the FLCN protein (p.Ser257del), but otherwise preserves the integrity of the reading frame. This variant is not present in population databases (gnomAD no frequency). This variant has been observed in individual(s) with clinical features of Birt-Hogg-Dubé syndrome (PMID: 20413710, 27220747, 28069055, 37490463). Experimental studies and prediction algorithms are not available or were not evaluated, and the functional significance of this variant is currently unknown. In summary, the available evidence is currently insufficient to determine the role of this variant in disease. Therefore, it has been classified as a Variant of Uncertain Significance.

Division of Respiratory Medicine of Juntendo University, Juntendo University Faculty of Medicine and Graduate School of Medicine
Classification: Pathogenic for Birt-Hogg-Dube syndrome 1. Last evaluated: 2023-07-01. Review status: no assertion criteria provided. Collection method: clinical testing. Allele origin: germline. Affected: yes. Not counted in ClinVar's aggregate classification.

Literature cited by the submitters: PubMed 28069055 (cited by 3 submitters); PubMed 37490463 (cited by 3 submitters); PubMed 24393238 (cited by Myriad Genetics, Inc. and Ambry Genetics); PubMed 20413710 (cited by 3 submitters); PubMed 29157599 (cited by Myriad Genetics, Inc.); PubMed 27220747 (cited by Ambry Genetics and Labcorp Genetics (formerly Invitae), Labcorp); PubMed 27905298 (cited by Ambry Genetics); PubMed 33313181 (cited by Ambry Genetics).

NM_144997.7(FLCN):c.767CCT[1] (p.Ser257del)

Gene: FLCN (folliculin; minus strand). Cytogenetic location: 17p11.2.
Variant type: Microsatellite.
Coding change: c.767CCT[1] on transcript NM_144997.7 (MANE Select); one copy of the 3-base unit CCT starting at c.767; the reference has two copies in a row; one copy, 3 bases deleted; also written c.770_772del.
Protein change: p.Ser257del; deletes serine 257.
Molecular consequence: inframe deletion. On other transcripts: inframe indel (2).
Genome position (GRCh38, 1-based): chr17:17,222,508-17,222,510, AGG deleted on the plus strand (CCT on the coding strand, the reverse complement: FLCN is on the minus strand); deleting any 3 consecutive bases within chr17:17,222,508-17,222,513 gives the same sequence; the position shown is the placement nearest the transcript's 3' end. VCF-style (leftmost placement, unchanged base first): chr17-17222507-AAGG-A. GRCh37 (hg19) VCF-style: chr17-17125821-AAGG-A.
Other names: c.770_772del (NM_144997.7); c.821CCT[1], p.Ser275del (NM_001353229.2); c.767CCT[1], p.Ser257del (NM_001353230.2, NM_001353231.2, NM_144606.7); c.767_769CCT[1], p.Ser257del (NM_144997.5); c.770_772delCCT (NM_144997.5); short protein forms S275del, S257del.
Identifiers: ClinVar variation 1760219 (VCV001760219.9), dbSNP rs2047122813, ClinGen allele CA2250420852.